The following is an entry in ClinVar:

NM_002772.3(TMPRSS15):c.2231C>T (p.Ala744Val)

Gene: TMPRSS15 (transmembrane serine protease 15; minus strand). Cytogenetic location: 21q21.1.
Variant type: single nucleotide variant.
Coding change: c.2231C>T on transcript NM_002772.3 (MANE Select); coding-DNA position 2231, C replaced by T.
Protein change: p.Ala744Val; replaces alanine 744 with valine.
Molecular consequence: missense variant.
Genome position (GRCh38, 1-based): chr21:18,297,764, G>A on the plus strand (C>T on the coding strand, the complement: TMPRSS15 is on the minus strand). VCF-style: chr21-18297764-G-A. GRCh37 (hg19) VCF-style: chr21-19670081-G-A.
Other names: c.2231C>T (NM_002772.2); short protein forms A744V.
Identifiers: ClinVar variation 1975898 (VCV001975898.5), dbSNP rs748446963, ClinGen allele CA9984154.

ClinVar aggregate classification (germline): Uncertain significance. Review status: criteria provided, multiple submitters, no conflicts (2 of 4 stars). 2 submissions from 2 submitters: Uncertain significance (2). Last evaluated 2025-06-07.

Allele frequency attached by ClinVar (database versions not stated): gnomAD exomes 0.00001; TOPMed 0.00001; gnomAD 0.00002; ExAC 0.00002.
gnomAD v4.1: 24 of 1,613,658 alleles (0.0015%); highest among the groups gnomAD compares: Non-Finnish European, 0.002%; no homozygotes.

Submissions (2):

Ambry Genetics
Classification: Uncertain significance. Last evaluated: 2025-06-07. Review status: criteria provided, single submitter. Criteria: Ambry Variant Classification Scheme 2023. Collection method: clinical testing. Allele origin: germline.

Labcorp Genetics (formerly Invitae), Labcorp
Classification: Uncertain significance. Last evaluated: 2024-10-16. Review status: criteria provided, single submitter. Criteria: Invitae Variant Classification Sherloc (09022015). Collection method: clinical testing. Allele origin: germline.
Comment: This sequence change replaces alanine, which is neutral and non-polar, with valine, which is neutral and non-polar, at codon 744 of the TMPRSS15 protein (p.Ala744Val). This variant is present in population databases (rs748446963, gnomAD 0.005%). This variant has not been reported in the literature in individuals affected with TMPRSS15-related conditions. ClinVar contains an entry for this variant (Variation ID: 1975898). An algorithm developed to predict the effect of missense changes on protein structure and function (PolyPhen-2) suggests that this variant¬†is likely to be tolerated. In summary, the available evidence is currently insufficient to determine the role of this variant in disease. Therefore, it has been classified as a Variant of Uncertain Significance.